The following is an entry in ClinVar:

NC_000003.11:g.(?_33106935)_(33114225_?)del

Gene: GLB1 (galactosidase beta 1; minus strand). Cytogenetic location: 3p22.3.
Variant type: Deletion.
Identifiers: ClinVar variation 2423034 (VCV002423034.4).

ClinVar aggregate classification (germline): Pathogenic (1 of 4 stars; one submission).

Conditions:
GM1 gangliosidosis. Identifiers: Orphanet 354, MedGen C0085131, MONDO:0018149.
Mucopolysaccharidosis, MPS-IV-B (MPS4B). Also called: MORQUIO SYNDROME B; Mucopolysaccharidosis type IV B; Mucopolysaccharidosis Type IVB; Mucopolysaccharidosis type 4B; Mucopolysaccharidosis type IVB (Morquio); MPS IVB. Identifiers: Orphanet 309310, Orphanet 582, MedGen C0086652, MONDO:0009660, OMIM 253010.

Submission:

Labcorp Genetics (formerly Invitae), Labcorp
Classification: Pathogenic for Mucopolysaccharidosis, MPS-IV-B; GM1 gangliosidosis. Last evaluated: 2023-12-26. Review status: criteria provided, single submitter. Criteria: Invitae Variant Classification Sherloc (09022015). Collection method: clinical testing. Allele origin: germline.
Comment: This variant is a gross deletion of the genomic region encompassing exon(s) 2-5 of the GLB1 gene. This variant would be expected to be in-frame, preserving the integrity of the reading frame. This variant has not been reported in the literature in individuals affected with GLB1-related conditions. This variant disrupts a region of the GLB1 protein in which other variant(s) (p.Leu155Arg) have been determined to be pathogenic (PMID: 17309651, 19472408, 20175788, 25557439). This suggests that this is a clinically significant region of the protein, and that variants that disrupt it are likely to be disease-causing. For these reasons, this variant has been classified as Pathogenic.

Literature cited by the submitters: PubMed 17309651; PubMed 19472408; PubMed 20175788; PubMed 25557439.